The following is an entry in ClinVar:

ClinVar aggregate classification (germline): Uncertain significance. Review status: criteria provided, multiple submitters, no conflicts (2 of 4 stars). 2 submissions from 2 submitters: Uncertain significance (2). Last evaluated 2025-05-14.

Conditions:
Catecholaminergic polymorphic ventricular tachycardia 1. Also called: VENTRICULAR TACHYCARDIA, CATECHOLAMINERGIC POLYMORPHIC, 1, WITH OR WITHOUT ATRIAL DYSFUNCTION AND/OR DILATED CARDIOMYOPATHY; RYR2-Related Catecholaminergic Polymorphic Ventricular Tachycardia; VENTRICULAR TACHYCARDIA, STRESS-INDUCED POLYMORPHIC 1. Identifiers: Orphanet 3286, MedGen C1631597, MONDO:0011484, OMIM 604772.

Allele frequency attached by ClinVar (database versions not stated): gnomAD exomes below 0.00001.
gnomAD v4.1: 5 of 1,613,960 alleles (0.00031%); highest among the groups gnomAD compares: South Asian, 0.0011%; no homozygotes.

Submissions (2):

Labcorp Genetics (formerly Invitae), Labcorp
Classification: Uncertain significance for Catecholaminergic polymorphic ventricular tachycardia 1. Last evaluated: 2025-05-14. Review status: criteria provided, single submitter. Criteria: Invitae Variant Classification Sherloc (09022015). Collection method: clinical testing. Allele origin: germline.
Comment: This sequence change replaces serine, which is neutral and polar, with isoleucine, which is neutral and non-polar, at codon 2276 of the RYR2 protein (p.Ser2276Ile). This variant is present in population databases (no rsID available, gnomAD 0.003%). This variant has not been reported in the literature in individuals affected with RYR2-related conditions. ClinVar contains an entry for this variant (Variation ID: 1693800). Invitae Evidence Modeling of protein sequence and biophysical properties (such as structural, functional, and spatial information, amino acid conservation, physicochemical variation, residue mobility, and thermodynamic stability) indicates that this missense variant is expected to disrupt RYR2 protein function with a positive predictive value of 95%. In summary, the available evidence is currently insufficient to determine the role of this variant in disease. Therefore, it has been classified as a Variant of Uncertain Significance.

Mayo Clinic Laboratories, Mayo Clinic
Classification: Uncertain significance. Last evaluated: 2021-09-28. Review status: criteria provided, single submitter. Criteria: ACMG Guidelines, 2015. Collection method: clinical testing. Allele origin: germline.

NM_001035.3(RYR2):c.6827G>T (p.Ser2276Ile)

Gene: RYR2 (ryanodine receptor 2; plus strand). Cytogenetic location: 1q43.
Variant type: single nucleotide variant.
Coding change: c.6827G>T on transcript NM_001035.3 (MANE Select); coding-DNA position 6827, G replaced by T.
Protein change: p.Ser2276Ile; replaces serine 2276 with isoleucine.
Molecular consequence: missense variant.
Genome position (GRCh38, 1-based): chr1:237,638,391, G>T. VCF-style: chr1-237638391-G-T. GRCh37 (hg19) VCF-style: chr1-237801691-G-T.
Other names: p.Ser2276Ile; short protein forms S2276I.
Identifiers: ClinVar variation 1693800 (VCV001693800.9), dbSNP rs1247927726, ClinGen allele CA345395489.